The following is an entry in ClinVar:

ClinVar aggregate classification (germline): Likely benign. Review status: criteria provided, single submitter (1 of 4 stars). 2 submissions from 2 submitters: Likely benign (1). 1 of the submissions does not count toward it. Last evaluated 2023-03-01.

Conditions:
KIF26B-related disorder. Also called: KIF26B-related condition.

Allele frequency attached by ClinVar (database versions not stated): 1000 Genomes Project 0.00100; 1000 Genomes Project 30x 0.00109; gnomAD 0.00283; TOPMed 0.00289; ESP Exome Variant Server 0.00335; ExAC 0.00423; gnomAD exomes 0.00425.
gnomAD v4.1: 6,504 of 1,601,106 alleles (0.41%); highest among the groups gnomAD compares: Non-Finnish European, 0.51%; 23 homozygotes.

Submissions (2):

CeGaT Center for Human Genetics Tuebingen
Classification: Likely benign. Last evaluated: 2023-03-01. Review status: criteria provided, single submitter. Criteria: CeGaT Center For Human Genetics Tuebingen Variant Classification Criteria Version 2. Collection method: clinical testing. Allele origin: germline. Affected: yes. Observed: 2 variant alleles.
Comment: KIF26B: BS2

PreventionGenetics, part of Exact Sciences
Classification: Likely benign for KIF26B-related condition. Last evaluated: 2019-02-26. Review status: no assertion criteria provided. Collection method: clinical testing. Allele origin: germline. Not counted in ClinVar's aggregate classification.
Comment: This variant is classified as likely benign based on ACMG/AMP sequence variant interpretation guidelines (Richards et al. 2015 PMID: 25741868, with internal and published modifications).

NM_018012.4(KIF26B):c.913A>C (p.Asn305His)

Gene: KIF26B (kinesin family member 26B; plus strand). Cytogenetic location: 1q44.
Variant type: single nucleotide variant.
Coding change: c.913A>C on transcript NM_018012.4 (MANE Select); coding-DNA position 913, A replaced by C.
Protein change: p.Asn305His; replaces asparagine 305 with histidine.
Molecular consequence: missense variant.
Genome position (GRCh38, 1-based): chr1:245,367,281, A>C. VCF-style: chr1-245367281-A-C. GRCh37 (hg19) VCF-style: chr1-245530583-A-C.
Other names: short protein forms N305H.
Identifiers: ClinVar variation 2640228 (VCV002640228.25), dbSNP rs114860672, ClinGen allele CA1487494.